The following is an entry in ClinVar:

NM_000257.4(MYH7):c.2189T>C (p.Ile730Thr)

Gene: MYH7 (myosin heavy chain 7; minus strand). Cytogenetic location: 14q11.2.
Variant type: single nucleotide variant.
Coding change: c.2189T>C on transcript NM_000257.4 (MANE Select); coding-DNA position 2189, T replaced by C.
Protein change: p.Ile730Thr; replaces isoleucine 730 with threonine.
Molecular consequence: missense variant.
Genome position (GRCh38, 1-based): chr14:23,425,792, A>G on the plus strand (T>C on the coding strand, the complement: MYH7 is on the minus strand). VCF-style: chr14-23425792-A-G. GRCh37 (hg19) VCF-style: chr14-23895001-A-G.
Other names: c.2189T>C (LRG_384t1); short protein forms I730T.
Identifiers: ClinVar variation 407193 (VCV000407193.11), dbSNP rs1060501448, ClinGen allele CA16614089.

ClinVar aggregate classification (germline): Pathogenic/Likely pathogenic. Review status: criteria provided, multiple submitters, no conflicts (2 of 4 stars). 2 submissions from 2 submitters: Pathogenic (1); Likely pathogenic (1). Last evaluated 2025-09-08.

Conditions:
Hypertrophic cardiomyopathy. Also called: HYPERTROPHIC MYOCARDIOPATHY. Identifiers: Orphanet 217569, MedGen C0007194, MeSH D002312, MONDO:0005045, HP:0001639.

Submissions (2):

Labcorp Genetics (formerly Invitae), Labcorp
Classification: Pathogenic for Hypertrophic cardiomyopathy. Last evaluated: 2025-09-08. Review status: criteria provided, single submitter. Criteria: Invitae Variant Classification Sherloc (09022015). Collection method: clinical testing. Allele origin: germline.
Comment: This sequence change replaces isoleucine, which is neutral and non-polar, with threonine, which is neutral and polar, at codon 730 of the MYH7 protein (p.Ile730Thr). This variant is not present in population databases (gnomAD no frequency). This missense change has been observed in individuals with hypertrophic cardiomyopathy (PMID: 22429680, 32492895; internal data). ClinVar contains an entry for this variant (Variation ID: 407193). Invitae Evidence Modeling of protein sequence and biophysical properties (such as structural, functional, and spatial information, amino acid conservation, physicochemical variation, residue mobility, and thermodynamic stability) indicates that this missense variant is expected to disrupt MYH7 protein function with a positive predictive value of 95%. This variant is found within a region of MYH7 between codons 181 and 937 that contains the majority of the myosin head domain. Missense variants in this region have been shown to be significantly overrepresented in individuals with hypertrophic cardiomyopathy (PMID: 27532257). For these reasons, this variant has been classified as Pathogenic.

GeneDx
Classification: Likely pathogenic. Last evaluated: 2020-01-17. Review status: criteria provided, single submitter. Criteria: GeneDx Variant Classification Process June 2021. Collection method: clinical testing. Allele origin: germline. Affected: yes.
Comment: Reported in ClinVar as likely pathogenic (ClinVar Variant ID# 407193; Landrum et al., 2016); Not observed in large population cohorts (Lek et al., 2016); In silico analysis, which includes protein predictors and evolutionary conservation, supports a deleterious effect; This variant is associated with the following publications: (PMID: 22429680)

Literature cited by the submitters: PubMed 22429680 (cited by Labcorp Genetics (formerly Invitae), Labcorp); PubMed 32492895 (cited by Labcorp Genetics (formerly Invitae), Labcorp); PubMed 27532257 (cited by Labcorp Genetics (formerly Invitae), Labcorp).